The following is an entry in ClinVar:

NM_001164665.2(KIAA1549):c.3816G>T (p.Leu1272Phe)

Gene: KIAA1549 (KIAA1549; minus strand). Cytogenetic location: 7q34.
Variant type: single nucleotide variant.
Coding change: c.3816G>T on transcript NM_001164665.2 (MANE Select); coding-DNA position 3816, G replaced by T.
Protein change: p.Leu1272Phe; replaces leucine 1272 with phenylalanine.
Molecular consequence: missense variant.
Genome position (GRCh38, 1-based): chr7:138,898,986, C>A on the plus strand (G>T on the coding strand, the complement: KIAA1549 is on the minus strand). VCF-style: chr7-138898986-C-A. GRCh37 (hg19) VCF-style: chr7-138583732-C-A.
Other names: c.3816G>T, p.Leu1272Phe (NM_020910.3); short protein forms L1272F.
Identifiers: ClinVar variation 1370681 (VCV001370681.4), dbSNP rs1195508927, ClinGen allele CA369381297.

ClinVar aggregate classification (germline): Uncertain significance (1 of 4 stars; one submission).

Allele frequency attached by ClinVar (database versions not stated): gnomAD exomes below 0.00001; TOPMed below 0.00001.
gnomAD v4.1: 1 of 1,613,788 alleles (0.000062%); highest among the groups gnomAD compares: Admixed American, 0.0017%; no homozygotes.

Submission:

Labcorp Genetics (formerly Invitae), Labcorp
Classification: Uncertain significance. Last evaluated: 2021-07-28. Review status: criteria provided, single submitter. Criteria: Invitae Variant Classification Sherloc (09022015). Collection method: clinical testing. Allele origin: germline.
Comment: This variant has not been reported in the literature in individuals affected with KIAA1549-related conditions. This variant is not present in population databases (ExAC no frequency). This sequence change replaces leucine with phenylalanine at codon 1272 of the KIAA1549 protein (p.Leu1272Phe). The leucine residue is highly conserved and there is a small physicochemical difference between leucine and phenylalanine. Algorithms developed to predict the effect of missense changes on protein structure and function are either unavailable or do not agree on the potential impact of this missense change (SIFT: "Deleterious"; PolyPhen-2: "Probably Damaging"; Align-GVGD: "Class C15"). In summary, the available evidence is currently insufficient to determine the role of this variant in disease. Therefore, it has been classified as a Variant of Uncertain Significance.